The following is an entry in ClinVar:

NM_001365902.3(NFIX):c.1236G>A (p.Ser412=)

Gene: NFIX (nuclear factor I X; plus strand). Cytogenetic location: 19p13.13.
Variant type: single nucleotide variant.
Coding change: c.1236G>A on transcript NM_001365902.3 (MANE Select); coding-DNA position 1236, G replaced by A.
Protein change: p.Ser412=; no amino-acid change (serine 412 retained).
Molecular consequence: synonymous variant.
Genome position (GRCh38, 1-based): chr19:13,081,837, G>A. VCF-style: chr19-13081837-G-A. GRCh37 (hg19) VCF-style: chr19-13192651-G-A.
Other names: c.1260G>A, p.Ser420= (NM_001271043.2); c.1212G>A, p.Ser404= (NM_001271044.3, NM_001378404.1); c.1113G>A, p.Ser371= (NM_001365982.2); c.1095G>A, p.Ser365= (NM_001365983.2); c.1233G>A, p.Ser411= (NM_001365984.2, NM_001365985.2); c.1284G>A, p.Ser428= (NM_001378405.1); c.1236G>A, p.Ser412= (NM_002501.4); c.1236G>A (NM_002501.3).
Identifiers: ClinVar variation 767492 (VCV000767492.12), dbSNP rs367955217, ClinGen allele CA9237154.

ClinVar aggregate classification (germline): Benign. Review status: criteria provided, single submitter (1 of 4 stars). 2 submissions from 2 submitters: Benign (1). 1 of the submissions does not count toward it. Last evaluated 2025-11-25.

Conditions:
NFIX-related disorder. Also called: NFIX-related condition.
Marshall-Smith syndrome (MRSHSS). Identifiers: Orphanet 561, MedGen C0265211, MONDO:0011244, OMIM 602535.
Malan overgrowth syndrome (MALNS). Also called: NFIX-Related Malan Syndrome; MALAN SYNDROME; Sotos syndrome 2. Identifiers: Orphanet 420179, MedGen C3553660, MONDO:0013885, OMIM 614753.

Allele frequency attached by ClinVar (database versions not stated): ESP Exome Variant Server 0.00008; gnomAD 0.00011 and 0.00039; TOPMed 0.00016; gnomAD exomes 0.00066 and 0.00142; ExAC 0.00151; 1000 Genomes Project 30x 0.00172; 1000 Genomes Project 0.00180.
gnomAD v4.1: 1,028 of 1,613,910 alleles (0.064%); highest among the groups gnomAD compares: South Asian, 0.99%; 12 homozygotes.

Submissions (2):

Labcorp Genetics (formerly Invitae), Labcorp
Classification: Benign for Malan overgrowth syndrome; Marshall-Smith syndrome. Last evaluated: 2025-11-25. Review status: criteria provided, single submitter. Criteria: Invitae Variant Classification Sherloc (09022015). Collection method: clinical testing. Allele origin: germline.

PreventionGenetics, part of Exact Sciences
Classification: Benign for NFIX-related condition. Last evaluated: 2024-04-09. Review status: no assertion criteria provided. Collection method: clinical testing. Allele origin: germline. Not counted in ClinVar's aggregate classification.
Comment: This variant is classified as benign based on ACMG/AMP sequence variant interpretation guidelines (Richards et al. 2015 PMID: 25741868, with internal and published modifications).